The following is an entry in ClinVar:

NM_024306.5(FA2H):c.1039+16T>G

Gene: FA2H (fatty acid 2-hydroxylase; minus strand). Cytogenetic location: 16q23.1.
Variant type: single nucleotide variant.
Coding change: c.1039+16T>G on transcript NM_024306.5 (MANE Select); 16 bases into the intron after coding-DNA position 1039, T replaced by G.
Molecular consequence: intron variant.
Genome position (GRCh38, 1-based): chr16:74,716,331, A>C on the plus strand (T>G on the coding strand, the complement: FA2H is on the minus strand). VCF-style: chr16-74716331-A-C. GRCh37 (hg19) VCF-style: chr16-74750229-A-C.
Identifiers: ClinVar variation 383661 (VCV000383661.14), dbSNP rs7193407, ClinGen allele CA8170327.

ClinVar aggregate classification (germline): Benign. Review status: criteria provided, multiple submitters, no conflicts (2 of 4 stars). 5 submissions from 5 submitters: Benign (3). 2 of the submissions do not count toward it. Last evaluated 2026-02-03.

Conditions:
Spastic paraplegia. Identifiers: MedGen C0037772, HP:0001258.

Allele frequency attached by ClinVar (database versions not stated): 1000 Genomes Project 30x 0.07480; gnomAD 0.07581 and 0.07963; ESP Exome Variant Server 0.08149; TOPMed 0.08270; gnomAD exomes 0.03420 and 0.03718; ExAC 0.04176; 1000 Genomes Project 0.07268.
gnomAD v4.1: 61,705 of 1,612,490 alleles (3.8%); highest among the groups gnomAD compares: African/African-American, 20%; 2,413 homozygotes.

Submissions (5):

Labcorp Genetics (formerly Invitae), Labcorp
Classification: Benign for Spastic paraplegia. Last evaluated: 2026-02-03. Review status: criteria provided, single submitter. Criteria: Invitae Variant Classification Sherloc (09022015). Collection method: clinical testing. Allele origin: germline.

GeneDx
Classification: Benign. Last evaluated: 2016-08-03. Review status: criteria provided, single submitter. Criteria: GeneDx Variant Classification (06012015). Collection method: clinical testing. Allele origin: germline. Affected: yes.
Comment: This variant is considered likely benign or benign based on one or more of the following criteria: it is a conservative change, it occurs at a poorly conserved position in the protein, it is predicted to be benign by multiple in silico algorithms, and/or has population frequency not consistent with disease.

Breakthrough Genomics
Classification: Benign. Review status: criteria provided, single submitter. Criteria: ACMG Guidelines, 2015. Collection method: not provided. Allele origin: germline. Inheritance: Autosomal recessive inheritance. Affected: yes.

Genome Diagnostics Laboratory, Amsterdam University Medical Center
Classification: Likely benign. Review status: no assertion criteria provided. Collection method: clinical testing. Allele origin: germline. Affected: yes. Study: VKGL Data-share Consensus. Not counted in ClinVar's aggregate classification.

Joint Genome Diagnostic Labs from Nijmegen and Maastricht, Radboudumc and MUMC+
Classification: Benign. Review status: no assertion criteria provided. Collection method: clinical testing. Allele origin: germline. Affected: yes. Study: VKGL Data-share Consensus. Not counted in ClinVar's aggregate classification.